The following is an entry in ClinVar:

ClinVar aggregate classification (germline): Uncertain significance (1 of 4 stars; one submission).

Conditions:
Brugada syndrome 8 (BRGDA8). Identifiers: Orphanet 130, MedGen C2751083, MONDO:0013148, OMIM 613123.

Submission:

Labcorp Genetics (formerly Invitae), Labcorp
Classification: Uncertain significance for Brugada syndrome 8. Last evaluated: 2024-10-22. Review status: criteria provided, single submitter. Criteria: Invitae Variant Classification Sherloc (09022015). Collection method: clinical testing. Allele origin: germline.
Comment: This sequence change replaces arginine, which is basic and polar, with glycine, which is neutral and non-polar, at codon 1069 of the HCN4 protein (p.Arg1069Gly). This variant is not present in population databases (gnomAD no frequency). This variant has not been reported in the literature in individuals affected with HCN4-related conditions. Invitae Evidence Modeling of protein sequence and biophysical properties (such as structural, functional, and spatial information, amino acid conservation, physicochemical variation, residue mobility, and thermodynamic stability) indicates that this missense variant is not expected to disrupt HCN4 protein function with a negative predictive value of 95%. In summary, the available evidence is currently insufficient to determine the role of this variant in disease. Therefore, it has been classified as a Variant of Uncertain Significance.

NM_005477.3(HCN4):c.3205C>G (p.Arg1069Gly)

Gene: HCN4 (hyperpolarization activated cyclic nucleotide gated potassium channel 4; minus strand). Cytogenetic location: 15q24.1.
Variant type: single nucleotide variant.
Coding change: c.3205C>G on transcript NM_005477.3 (MANE Select); coding-DNA position 3205, C replaced by G.
Protein change: p.Arg1069Gly; replaces arginine 1069 with glycine.
Molecular consequence: missense variant.
Genome position (GRCh38, 1-based): chr15:73,322,888, G>C on the plus strand (C>G on the coding strand, the complement: HCN4 is on the minus strand). VCF-style: chr15-73322888-G-C. GRCh37 (hg19) VCF-style: chr15-73615229-G-C.
Other names: short protein forms R1069G.
Identifiers: ClinVar variation 3698887 (VCV003698887.2).
Genomic context (GRCh38, chr15:73,322,888, plus strand): 5'-ACGCGGAGATGAGCTTGAGGTCCTGGGTGAGGCGGCCGGGGGTGAGCGGGGGTGTGCCCC[G>C]GCGCTGGGGGACCTGGGGTGGTGGGGGGCTGGATGCAGGTGGCAGGAGCAAGGATCCGTG-3'
Protein context (NP_005468.1, residues 1059-1079): SPPPPQVPQR[Arg1069Gly]GTPPLTPGRL